The following is an entry in ClinVar:

NM_003052.5(SLC34A1):c.260-4C>A

Gene: SLC34A1 (solute carrier family 34 member 1; plus strand). Cytogenetic location: 5q35.3.
Variant type: single nucleotide variant.
Coding change: c.260-4C>A on transcript NM_003052.5 (MANE Select); 4 bases into the intron before coding-DNA position 260, C replaced by A.
Molecular consequence: intron variant.
Genome position (GRCh38, 1-based): chr5:177,386,217, C>A. VCF-style: chr5-177386217-C-A. GRCh37 (hg19) VCF-style: chr5-176813218-C-A.
Other names: c.260-4C>A (NM_001167579.2).
Identifiers: ClinVar variation 352958 (VCV000352958.10), dbSNP rs200580283, ClinGen allele CA3580323.

ClinVar aggregate classification (germline): Benign. Review status: criteria provided, multiple submitters, no conflicts (2 of 4 stars). 3 submissions from 3 submitters: Benign (3). Last evaluated 2025-12-29.

Conditions:
Hypophosphatemic nephrolithiasis/osteoporosis 1. Identifiers: Orphanet 244305, MedGen C2676786, MONDO:0012850, OMIM 612286.
Fanconi renotubular syndrome 2 (FRTS2). Identifiers: MedGen C3150652, MONDO:0013247, OMIM 613388.
Hypercalcemia, infantile, 2 (HCINF2). Identifiers: Orphanet 300547, MedGen C4310473, MONDO:0014851, OMIM 616963.

Allele frequency attached by ClinVar (database versions not stated): gnomAD 0.00109 and 0.00104; TOPMed 0.00125; 1000 Genomes Project 0.00140; 1000 Genomes Project 30x 0.00172; gnomAD exomes 0.00023; ExAC 0.00027; ESP Exome Variant Server 0.00100.
gnomAD v4.1: 272 of 1,614,166 alleles (0.017%); highest among the groups gnomAD compares: African/African-American, 0.32%; no homozygotes.

Submissions (3):

Labcorp Genetics (formerly Invitae), Labcorp
Classification: Benign. Last evaluated: 2025-12-29. Review status: criteria provided, single submitter. Criteria: Invitae Variant Classification Sherloc (09022015). Collection method: clinical testing. Allele origin: germline.

Fulgent Genetics
Classification: Benign for Hypophosphatemic nephrolithiasis/osteoporosis 1; Fanconi renotubular syndrome 2; Hypercalcemia, infantile, 2. Last evaluated: 2021-09-07. Review status: criteria provided, single submitter. Criteria: ACMG Guidelines, 2015. Collection method: clinical testing. Allele origin: unknown.

Illumina Laboratory Services, Illumina
Classification: Benign for Hypophosphatemic nephrolithiasis/osteoporosis 1. Last evaluated: 2018-01-13. Review status: criteria provided, single submitter. Criteria: ICSL Variant Classification Criteria 13 December 2019. Collection method: clinical testing. Allele origin: germline.
Comment: This variant was observed in the ICSL laboratory as part of a predisposition screen in an ostensibly healthy population. It had not been previously curated by ICSL or reported in the Human Gene Mutation Database (HGMD: prior to June 1st, 2018), and was therefore a candidate for classification through an automated scoring system. Utilizing variant allele frequency, disease prevalence and penetrance estimates, and inheritance mode, an automated score was calculated to assess if this variant is too frequent to cause the disease. Based on the score and internal cut-off values, a variant classified as benign is not then subjected to further curation. The score for this variant resulted in a classification of benign for this disease.